The following is an entry in ClinVar:

ClinVar aggregate classification (germline): Uncertain significance (1 of 4 stars; one submission).

Submission:

GeneDx
Classification: Uncertain significance. Last evaluated: 2024-03-23. Review status: criteria provided, single submitter. Criteria: GeneDx Variant Classification Process June 2021. Collection method: clinical testing. Allele origin: germline. Affected: yes.
Comment: Not observed at significant frequency in large population cohorts (gnomAD); In silico analysis supports that this missense variant has a deleterious effect on protein structure/function; Has not been previously published as pathogenic or benign to our knowledge

NM_001366145.2(TRPM3):c.3392T>A (p.Val1131Glu)

Gene: TRPM3 (transient receptor potential cation channel subfamily M member 3; minus strand). Cytogenetic location: 9q21.12.
Variant type: single nucleotide variant.
Coding change: c.3392T>A on transcript NM_001366145.2 (MANE Select); coding-DNA position 3392, T replaced by A.
Protein change: p.Val1131Glu; replaces valine 1131 with glutamic acid.
Molecular consequence: missense variant.
Genome position (GRCh38, 1-based): chr9:70,553,026, A>T on the plus strand (T>A on the coding strand, the complement: TRPM3 is on the minus strand). VCF-style: chr9-70553026-A-T. GRCh37 (hg19) VCF-style: chr9-73167942-A-T.
Other names: c.3356T>A, p.Val1119Glu (NM_001007471.4, NM_001366151.2); c.3362T>A, p.Val1121Glu (NM_001366141.2, NM_001366143.2, NM_001366149.2); c.3398T>A, p.Val1133Glu (NM_001366142.2); c.3392T>A, p.Val1131Glu (NM_001366146.2); c.3467T>A, p.Val1156Glu (NM_001366147.2, NM_001366152.2); c.3437T>A, p.Val1146Glu (NM_001366148.2); c.3326T>A, p.Val1109Glu (NM_001366150.2); c.2933T>A, p.Val978Glu (NM_001366154.2, NM_024971.7); and 5 more; short protein forms V1109E, V1119E, V1121E, V1131E, V1133E, V1146E, V1156E, V956E.
Identifiers: ClinVar variation 3371479 (VCV003371479.1).
Genomic context (GRCh38, chr9:70,553,026, plus strand): 5'-TGGAAAGTCATGATGAGCTGATACCTCTGAAACTTCCAGACTTGGTTGGATATCGATTTT[A>T]CTTCAAAAAATGTATTGCTAAAATAGAGACCAAAGAGAATCAAGTGAGAAAAACCCACTG-3'
Protein context (NP_001353074.1, residues 1121-1141): IAVFNNTFFE[Val1131Glu]KSISNQVWKF